The following is an entry in ClinVar:

NM_015046.7(SETX):c.4906A>G (p.Lys1636Glu)

Gene: SETX (senataxin; minus strand). Cytogenetic location: 9q34.13.
Variant type: single nucleotide variant.
Coding change: c.4906A>G on transcript NM_015046.7 (MANE Select); coding-DNA position 4906, A replaced by G.
Protein change: p.Lys1636Glu; replaces lysine 1636 with glutamic acid.
Molecular consequence: missense variant.
Genome position (GRCh38, 1-based): chr9:132,326,692, T>C on the plus strand (A>G on the coding strand, the complement: SETX is on the minus strand). VCF-style: chr9-132326692-T-C. GRCh37 (hg19) VCF-style: chr9-135202079-T-C.
Other names: c.4906A>G, p.Lys1636Glu (NM_001351527.2, NM_001351528.2); short protein forms K1636E.
Identifiers: ClinVar variation 641834 (VCV000641834.17), dbSNP rs368931174, ClinGen allele CA5297114.

ClinVar aggregate classification (germline): Conflicting classifications of pathogenicity. Review status: criteria provided, conflicting classifications (1 of 4 stars). 6 submissions from 6 submitters: Uncertain significance (5); Likely benign (1). Last evaluated 2026-08-26.

Conditions:
SETX-related disorder. Also called: SETX-related condition; SETX-related disorders. Identifiers: MedGen CN239403.
Inborn genetic diseases. Identifiers: MedGen C0950123, MeSH D030342.
Spinocerebellar ataxia, autosomal recessive, with axonal neuropathy 2 (SCAN2). Also called: ATAXIA-OCULOMOTOR APRAXIA 2; Ataxia with Oculomotor Apraxia Type 2; Ataxia with Oculomotor Apraxia; Ataxia-ocular apraxia-2. Identifiers: Orphanet 64753, MedGen C1853761, MONDO:0018996, OMIM 606002.
Amyotrophic lateral sclerosis type 4 (ALS4). Also called: AMYOTROPHIC LATERAL SCLEROSIS 4, JUVENILE; NEURONOPATHY, DISTAL HEREDITARY MOTOR, WITH PYRAMIDAL FEATURES. Identifiers: Orphanet 357043, MedGen C1865409, MONDO:0011223, OMIM 602433.

Allele frequency attached by ClinVar (database versions not stated): gnomAD exomes 0.00001 and 0.00004; ExAC 0.00002; gnomAD 0.00002; TOPMed 0.00004; ESP Exome Variant Server 0.00008.
gnomAD v4.1: 58 of 1,609,522 alleles (0.0036%); highest among the groups gnomAD compares: Non-Finnish European, 0.0047%; no homozygotes.

Submissions (6):

PreventionGenetics, part of Exact Sciences
Classification: Uncertain significance for SETX-related condition. Last evaluated: 2026-08-26. Review status: criteria provided, single submitter. Criteria: ACMG Guidelines, 2015. Collection method: clinical testing. Allele origin: germline.
Comment: The SETX c.4906A>G variant is predicted to result in the amino acid substitution p.Lys1636Glu. To our knowledge, this variant has not been reported in the literature. This variant is reported in 0.0031% of alleles in individuals of European (Non-Finnish) descent in gnomAD. At this time, the clinical significance of this variant is uncertain due to the absence of conclusive functional and genetic evidence.

Labcorp Genetics (formerly Invitae), Labcorp
Classification: Likely benign for Amyotrophic lateral sclerosis type 4; Spinocerebellar ataxia, autosomal recessive, with axonal neuropathy 2. Last evaluated: 2025-08-29. Review status: criteria provided, single submitter. Criteria: Invitae Variant Classification Sherloc (09022015). Collection method: clinical testing. Allele origin: germline.

Ambry Genetics
Classification: Uncertain significance for Inborn genetic diseases. Last evaluated: 2024-08-05. Review status: criteria provided, single submitter. Criteria: Ambry Variant Classification Scheme 2023. Collection method: clinical testing. Allele origin: germline.

Athena Diagnostics
Classification: Uncertain significance. Last evaluated: 2024-05-28. Review status: criteria provided, single submitter. Criteria: Athena Diagnostics Criteria. Collection method: clinical testing. Allele origin: unknown.
Comment: Available data are insufficient to determine the clinical significance of the variant at this time. The frequency of this variant in the general population is uninformative in assessment of its pathogenicity. Polyphen and MutationTaster predict this amino acid change may be benign.

GeneDx
Classification: Uncertain significance. Last evaluated: 2023-05-30. Review status: criteria provided, single submitter. Criteria: GeneDx Variant Classification Process June 2021. Collection method: clinical testing. Allele origin: germline.
Comment: Not observed at significant frequency in large population cohorts (gnomAD); In silico analysis supports that this missense variant does not alter protein structure/function; Has not been previously published as pathogenic or benign to our knowledge

MGZ Medical Genetics Center
Classification: Uncertain significance for Amyotrophic lateral sclerosis type 4. Last evaluated: 2021-09-07. Review status: criteria provided, single submitter. Criteria: ACMG Guidelines, 2015. Collection method: clinical testing. Allele origin: germline. Affected: yes. Observed: 1 variant allele.
Comment: ACMG criteria applied: PM2_SUP